The following is an entry in ClinVar:

NM_000368.5(TSC1):c.2933T>C (p.Leu978Pro)

Gene: TSC1 (TSC complex subunit 1; minus strand). Cytogenetic location: 9q34.13.
Variant type: single nucleotide variant.
Coding change: c.2933T>C on transcript NM_000368.5 (MANE Select); coding-DNA position 2933, T replaced by C.
Protein change: p.Leu978Pro; replaces leucine 978 with proline.
Molecular consequence: missense variant.
Genome position (GRCh38, 1-based): chr9:132,897,226, A>G on the plus strand (T>C on the coding strand, the complement: TSC1 is on the minus strand). VCF-style: chr9-132897226-A-G. GRCh37 (hg19) VCF-style: chr9-135772613-A-G.
Other names: c.2930T>C, p.Leu977Pro (NM_001162426.2); c.2780T>C, p.Leu927Pro (NM_001162427.2); c.2570T>C, p.Leu857Pro (NM_001362177.2); short protein forms L978P, L977P, L857P, L927P.
Identifiers: ClinVar variation 576245 (VCV000576245.28), dbSNP rs770834438, ClinGen allele CA375368431.

ClinVar aggregate classification (germline): Conflicting classifications of pathogenicity. Review status: criteria provided, conflicting classifications (1 of 4 stars). 5 submissions from 5 submitters: Uncertain significance (4); Benign (1). Last evaluated 2026-01-05.

Conditions:
Hereditary cancer-predisposing syndrome. Also called: Neoplastic Syndromes, Hereditary; Hereditary Cancer Syndrome; Hereditary neoplastic syndrome; Tumor predisposition. Identifiers: Orphanet 140162, MedGen C0027672, MeSH D009386, MONDO:0015356.
Tuberous sclerosis 1 (TSC1). Identifiers: Orphanet 805, MedGen C1854465, MONDO:0008612, OMIM 191100.

Allele frequency attached by ClinVar (database versions not stated): TOPMed 0.00001.
gnomAD v4.1: 1 of 1,614,000 alleles (0.000062%); highest among the groups gnomAD compares: Non-Finnish European, 0.000085%; no homozygotes.

Submissions (5):

Labcorp Genetics (formerly Invitae), Labcorp
Classification: Benign for Tuberous sclerosis 1. Last evaluated: 2026-01-05. Review status: criteria provided, single submitter. Criteria: Invitae Variant Classification Sherloc (09022015). Collection method: clinical testing. Allele origin: germline.

GeneDx
Classification: Uncertain significance. Last evaluated: 2025-06-15. Review status: criteria provided, single submitter. Criteria: GeneDx Variant Classification Process June 2021. Collection method: clinical testing. Allele origin: germline. Affected: yes.
Comment: Not observed at significant frequency in large population cohorts (gnomAD); In silico analysis suggests that this missense variant does not alter protein structure/function; Has not been previously published as pathogenic or benign to our knowledge; This variant is associated with the following publications: (PMID: 18466115)

Dasa
Classification: Uncertain significance. Last evaluated: 2025-05-20. Review status: criteria provided, single submitter. Criteria: DASA Assertion Criteria. Collection method: clinical testing. Allele origin: germline.
Comment: NM_000368.5(TSC1):c.2933T>C (p.Leu978Pro) is a missense variant that results in the substitution of leucine with proline. This variant is rare in population databases. The currently available literature and clinical evidence are not sufficient to establish a definitive association between this variant and the reported condition. Therefore, this variant is classified as a variant of uncertain significance.

Ambry Genetics
Classification: Uncertain significance for Hereditary cancer-predisposing syndrome. Last evaluated: 2024-06-14. Review status: criteria provided, single submitter. Criteria: Ambry Variant Classification Scheme 2023. Collection method: clinical testing. Allele origin: germline.
Comment: The p.L978P variant (also known as c.2933T>C), located in coding exon 20 of the TSC1 gene, results from a T to C substitution at nucleotide position 2933. The leucine at codon 978 is replaced by proline, an amino acid with similar properties. This amino acid position is conserved. In addition, the in silico prediction for this alteration is inconclusive. Based on the available evidence, the clinical significance of this variant remains unclear.

Genome-Nilou Lab
Classification: Uncertain significance for Tuberous sclerosis 1. Last evaluated: 2021-11-07. Review status: criteria provided, single submitter. Criteria: ACMG Guidelines, 2015. Collection method: clinical testing. Allele origin: germline. Affected: no.